The following is an entry in ClinVar:

NM_000395.3(CSF2RB):c.733C>A (p.Pro245Thr)

Gene: CSF2RB (colony stimulating factor 2 receptor subunit beta; plus strand). Cytogenetic location: 22q12.3.
Variant type: single nucleotide variant.
Coding change: c.733C>A on transcript NM_000395.3 (MANE Select); coding-DNA position 733, C replaced by A.
Protein change: p.Pro245Thr; replaces proline 245 with threonine.
Molecular consequence: missense variant.
Genome position (GRCh38, 1-based): chr22:36,930,389, C>A. VCF-style: chr22-36930389-C-A. GRCh37 (hg19) VCF-style: chr22-37326431-C-A.
Other names: c.733C>A, p.Pro245Thr (NM_001410827.1); short protein forms P245T.
Identifiers: ClinVar variation 4774479 (VCV004774479.1).

ClinVar aggregate classification (germline): Uncertain significance (1 of 4 stars; one submission).

gnomAD v4.1: 1 of 1,613,568 alleles (0.000062%); highest among the groups gnomAD compares: Non-Finnish European, 0.000085%; no homozygotes.

Submission:

Labcorp Genetics (formerly Invitae), Labcorp
Classification: Uncertain significance. Last evaluated: 2025-02-09. Review status: criteria provided, single submitter. Criteria: Invitae Variant Classification Sherloc (09022015). Collection method: clinical testing. Allele origin: germline.
Comment: This sequence change replaces proline, which is neutral and non-polar, with threonine, which is neutral and polar, at codon 245 of the CSF2RB protein (p.Pro245Thr). This variant is not present in population databases (gnomAD no frequency). This variant has not been reported in the literature in individuals affected with CSF2RB-related conditions. Invitae Evidence Modeling of protein sequence and biophysical properties (such as structural, functional, and spatial information, amino acid conservation, physicochemical variation, residue mobility, and thermodynamic stability) indicates that this missense variant is expected to disrupt CSF2RB protein function with a positive predictive value of 80%. In summary, the available evidence is currently insufficient to determine the role of this variant in disease. Therefore, it has been classified as a Variant of Uncertain Significance.